The following is an entry in ClinVar:

NM_002691.4(POLD1):c.1137G>T (p.Gln379His)

Gene: POLD1 (DNA polymerase delta 1, catalytic subunit; plus strand). Cytogenetic location: 19q13.33.
Variant type: single nucleotide variant.
Coding change: c.1137G>T on transcript NM_002691.4 (MANE Select); coding-DNA position 1137, G replaced by T.
Protein change: p.Gln379His; replaces glutamine 379 with histidine.
Molecular consequence: missense variant. On other transcripts: non-coding transcript variant (1).
Genome position (GRCh38, 1-based): chr19:50,403,219, G>T. VCF-style: chr19-50403219-G-T. GRCh37 (hg19) VCF-style: chr19-50906476-G-T.
Other names: c.1137G>T, p.Gln379His (NM_001256849.1, NM_001308632.1); short protein forms Q379H.
Identifiers: ClinVar variation 2830271 (VCV002830271.3), dbSNP rs2513974296, ClinGen allele CA406978405.

ClinVar aggregate classification (germline): Uncertain significance (1 of 4 stars; one submission).

Conditions:
POLD1-related polyposis and colorectal cancer syndrome (CRCS10). Also called: Colorectal cancer 10; COLORECTAL CANCER, SUSCEPTIBILITY TO, ON CHROMOSOME 19q; Colorectal cancer, susceptibility to, 10. Identifiers: Orphanet 220460, MedGen C2675481, MONDO:0012953, OMIM 612591.

Submission:

Labcorp Genetics (formerly Invitae), Labcorp
Classification: Uncertain significance for POLD1-related polyposis and colorectal cancer syndrome. Last evaluated: 2023-01-19. Review status: criteria provided, single submitter. Criteria: Invitae Variant Classification Sherloc (09022015). Collection method: clinical testing. Allele origin: germline.
Comment: Variants that disrupt the consensus splice site are a relatively common cause of aberrant splicing (PMID: 17576681, 9536098). Algorithms developed to predict the effect of sequence changes on RNA splicing suggest that this variant may disrupt the consensus splice site. Algorithms developed to predict the effect of missense changes on protein structure and function are either unavailable or do not agree on the potential impact of this missense change (SIFT: "Deleterious"; PolyPhen-2: "Possibly Damaging"; Align-GVGD: "Class C0"). This variant has not been reported in the literature in individuals affected with POLD1-related conditions. This variant is not present in population databases (gnomAD no frequency). This sequence change replaces glutamine, which is neutral and polar, with histidine, which is basic and polar, at codon 379 of the POLD1 protein (p.Gln379His). This variant also falls at the last nucleotide of exon 9, which is part of the consensus splice site for this exon. In summary, the available evidence is currently insufficient to determine the role of this variant in disease. Therefore, it has been classified as a Variant of Uncertain Significance.

Literature cited by the submitters: PubMed 17576681; PubMed 9536098.